The following is an entry in ClinVar:

ClinVar aggregate classification (germline): Uncertain significance (1 of 4 stars; one submission).

Allele frequency attached by ClinVar (database versions not stated): ExAC 0.00001; gnomAD 0.00001; gnomAD exomes 0.00001.
gnomAD v4.1: 19 of 1,613,870 alleles (0.0012%); highest among the groups gnomAD compares: Middle Eastern, 0.016%; no homozygotes.

Submission:

Labcorp Genetics (formerly Invitae), Labcorp
Classification: Uncertain significance. Last evaluated: 2022-12-12. Review status: criteria provided, single submitter. Criteria: Invitae Variant Classification Sherloc (09022015). Collection method: clinical testing. Allele origin: germline.
Comment: In summary, the available evidence is currently insufficient to determine the role of this variant in disease. Therefore, it has been classified as a Variant of Uncertain Significance. Algorithms developed to predict the effect of missense changes on protein structure and function are either unavailable or do not agree on the potential impact of this missense change (SIFT: "Deleterious"; PolyPhen-2: "Benign"; Align-GVGD: "Class C65"). This variant has not been reported in the literature in individuals affected with VCAN-related conditions. This variant is present in population databases (rs758759866, gnomAD 0.002%). This sequence change replaces proline, which is neutral and non-polar, with serine, which is neutral and polar, at codon 2000 of the VCAN protein (p.Pro2000Ser).

NM_004385.5(VCAN):c.5998C>T (p.Pro2000Ser)

Genes: VCAN (versican; plus strand), VCAN-AS1 (VCAN antisense RNA 1; minus strand). Cytogenetic location: 5q14.3.
Variant type: single nucleotide variant.
Coding change: c.5998C>T on transcript NM_004385.5 (MANE Select); coding-DNA position 5998, C replaced by T.
Protein change: p.Pro2000Ser; replaces proline 2000 with serine.
Molecular consequence: missense variant. On other transcripts: intron variant (2).
Genome position (GRCh38, 1-based): chr5:83,539,001, C>T. VCF-style: chr5-83539001-C-T. GRCh37 (hg19) VCF-style: chr5-82834820-C-T.
Other names: c.3037C>T, p.Pro1013Ser (NM_001164097.2); c.4004-6536C>T (NM_001164098.2); c.1043-6536C>T (NM_001126336.3); short protein forms P1013S, P2000S.
Identifiers: ClinVar variation 2988093 (VCV002988093.3), dbSNP rs758759866, ClinGen allele CA3333407.
Genomic context (GRCh38, chr5:83,539,001, plus strand): 5'-ATCAGTCACATATCTGACTCAGAAGGACCCAGTAGCACCATGGTCAGCACTTCAGCCTTC[C>T]CCTGGGAAGAGTTTACATCCTCAGCTGAGGGCTCAGGTGAGCAACTGGTCACAGTCAGCA-3'
Protein context (NP_004376.2, residues 1990-2010): SSTMVSTSAF[Pro2000Ser]WEEFTSSAEG